The following is an entry in ClinVar:

ClinVar aggregate classification (germline): Conflicting classifications of pathogenicity. Review status: criteria provided, conflicting classifications (1 of 4 stars). 7 submissions from 6 submitters: Uncertain significance (2); Likely benign (5). Last evaluated 2025-09-01.

Conditions:
Catecholaminergic polymorphic ventricular tachycardia (CVPT). Also called: Catecholamine-induced polymorphic ventricular tachycardia. Identifiers: Orphanet 3286, MedGen C5574922, MONDO:0017990.
Cardiomyopathy (CMYO). Also called: Cardiomyopathies. Identifiers: Orphanet 167848, MedGen C0878544, MONDO:0004994, HP:0001638. Inheritance: Various modes of inheritance.
Catecholaminergic polymorphic ventricular tachycardia 1. Also called: VENTRICULAR TACHYCARDIA, CATECHOLAMINERGIC POLYMORPHIC, 1, WITH OR WITHOUT ATRIAL DYSFUNCTION AND/OR DILATED CARDIOMYOPATHY; RYR2-Related Catecholaminergic Polymorphic Ventricular Tachycardia; VENTRICULAR TACHYCARDIA, STRESS-INDUCED POLYMORPHIC 1. Identifiers: Orphanet 3286, MedGen C1631597, MONDO:0011484, OMIM 604772.
Cardiovascular phenotype. Identifiers: MedGen CN230736.
Arrhythmogenic right ventricular dysplasia 2. Identifiers: MedGen C1832931.

Allele frequency attached by ClinVar (database versions not stated): ExAC 0.00001; gnomAD 0.00001; TOPMed 0.00001; gnomAD exomes 0.00002.
gnomAD v4.1: 22 of 1,613,490 alleles (0.0014%); highest among the groups gnomAD compares: Admixed American, 0.0017%; no homozygotes.

Submissions (7):

Labcorp Genetics (formerly Invitae), Labcorp
Classification: Likely benign for Catecholaminergic polymorphic ventricular tachycardia 1. Last evaluated: 2025-09-01. Review status: criteria provided, single submitter. Criteria: Invitae Variant Classification Sherloc (09022015). Collection method: clinical testing. Allele origin: germline.

Ambry Genetics
Classification: Likely benign for Cardiovascular phenotype. Last evaluated: 2025-01-06. Review status: criteria provided, single submitter. Criteria: Ambry Variant Classification Scheme 2023. Collection method: clinical testing. Allele origin: germline.

Blueprint Genetics
Classification: Likely benign. Last evaluated: 2024-09-11. Review status: criteria provided, single submitter. Criteria: ACMG Guidelines, 2015. Collection method: clinical testing. Allele origin: germline.

All of Us Research Program, National Institutes of Health
Classification: Likely benign for Catecholaminergic polymorphic ventricular tachycardia. Last evaluated: 2023-12-13. Review status: criteria provided, single submitter. Criteria: ACMG Guidelines, 2015. Collection method: clinical testing. Allele origin: germline. Inheritance: Autosomal dominant inheritance. Observed: 3 variant alleles, 3 heterozygotes.
Comment: This study involves interpretation of variants in research participants for the purpose of population health screening. Participant phenotype was not available at the time of variant classification. Additional details can be found in publication PMID: 35346344, PMCID: PMC8962531

Color Diagnostics, LLC DBA Color Health
Classification: Likely benign for Cardiomyopathy. Last evaluated: 2021-05-04. Review status: criteria provided, single submitter. Criteria: ACMG Guidelines, 2015. Collection method: clinical testing. Allele origin: germline.

Illumina Laboratory Services, Illumina
Classification: Uncertain significance for Catecholaminergic polymorphic ventricular tachycardia 1. Last evaluated: 2018-01-13. Review status: criteria provided, single submitter. Criteria: ICSL Variant Classification Criteria 13 December 2019. Collection method: clinical testing. Allele origin: germline.

Illumina Laboratory Services, Illumina
Classification: Uncertain significance for Catecholaminergic polymorphic ventricular tachycardia 1. Last evaluated: 2018-01-13. Review status: criteria provided, single submitter. Criteria: ICSL Variant Classification Criteria 13 December 2019. Collection method: clinical testing. Allele origin: germline.

NM_001035.3(RYR2):c.10008G>A (p.Glu3336=)

Gene: RYR2 (ryanodine receptor 2; plus strand). Cytogenetic location: 1q43.
Variant type: single nucleotide variant.
Coding change: c.10008G>A on transcript NM_001035.3 (MANE Select); coding-DNA position 10008, G replaced by A.
Protein change: p.Glu3336=; no amino-acid change (glutamic acid 3336 retained).
Molecular consequence: synonymous variant.
Genome position (GRCh38, 1-based): chr1:237,708,964, G>A. VCF-style: chr1-237708964-G-A. GRCh37 (hg19) VCF-style: chr1-237872264-G-A.
Other names: c.10008G>A, p.Glu3336= (LRG_402t1).
Identifiers: ClinVar variation 296746 (VCV000296746.20), dbSNP rs753175584, ClinGen allele CA084084.